The following is an entry in ClinVar:

NM_194248.3(OTOF):c.5566C>T (p.Arg1856Trp)

Gene: OTOF (otoferlin; minus strand). Cytogenetic location: 2p23.3.
Variant type: single nucleotide variant.
Coding change: c.5566C>T on transcript NM_194248.3 (MANE Select); coding-DNA position 5566, C replaced by T.
Protein change: p.Arg1856Trp; replaces arginine 1856 with tryptophan.
Molecular consequence: missense variant.
Genome position (GRCh38, 1-based): chr2:26,460,998, G>A on the plus strand (C>T on the coding strand, the complement: OTOF is on the minus strand). VCF-style: chr2-26460998-G-A. GRCh37 (hg19) VCF-style: chr2-26683866-G-A.
Other names: c.5566C>T, p.Arg1856Trp (NM_001287489.2); c.3265C>T, p.Arg1089Trp (NM_004802.4, NM_194323.3); c.3496C>T, p.Arg1166Trp (NM_194322.3); short protein forms R1856W, R1089W, R1166W.
Identifiers: ClinVar variation 48263 (VCV000048263.14), dbSNP rs368155547, ClinGen allele CA142938.

ClinVar aggregate classification (germline): Pathogenic. Review status: criteria provided, multiple submitters, no conflicts (2 of 4 stars). 7 submissions from 7 submitters: Pathogenic (3). 4 of the submissions do not count toward it. Last evaluated 2025-12-28.

Conditions:
OTOF-related disorder. Also called: OTOF-related condition.
Autosomal recessive nonsyndromic hearing loss 9. Also called: NEUROSENSORY NONSYNDROMIC RECESSIVE DEAFNESS 9; Deafness, autosomal recessive 9; OTOF-Related Hearing Loss; AUDITORY NEUROPATHY, AUTOSOMAL RECESSIVE, 1, TEMPERATURE-SENSITIVE. Identifiers: Orphanet 90636, MedGen C1832828, MONDO:0010986, OMIM 601071.

Allele frequency attached by ClinVar (database versions not stated): gnomAD exomes 0.00002 and 0.00003; TOPMed 0.00003; gnomAD 0.00004; ESP Exome Variant Server 0.00008.
gnomAD v4.1: 36 of 1,613,370 alleles (0.0022%); highest among the groups gnomAD compares: East Asian, 0.0089%; no homozygotes.

Submissions (7):

Labcorp Genetics (formerly Invitae), Labcorp
Classification: Pathogenic. Last evaluated: 2025-12-28. Review status: criteria provided, single submitter. Criteria: Invitae Variant Classification Sherloc (09022015). Collection method: clinical testing. Allele origin: germline.
Comment: This sequence change replaces arginine, which is basic and polar, with tryptophan, which is neutral and slightly polar, at codon 1856 of the OTOF protein (p.Arg1856Trp). This variant is present in population databases (rs368155547, gnomAD 0.01%). This missense change has been observed in individual(s) with autosomal recessive deafness or auditory neuropathy (PMID: 26445815, 26632695, 30482216, 32860223, 34416374). In at least one individual the data is consistent with being in trans (on the opposite chromosome) from a pathogenic variant. This variant is also known as p.Arg1089Trp. ClinVar contains an entry for this variant (Variation ID: 48263). Invitae Evidence Modeling of protein sequence and biophysical properties (such as structural, functional, and spatial information, amino acid conservation, physicochemical variation, residue mobility, and thermodynamic stability) indicates that this missense variant is not expected to disrupt OTOF protein function with a negative predictive value of 80%. This variant disrupts the p.Arg1856 amino acid residue in OTOF. Other variant(s) that disrupt this residue have been observed in individuals with OTOF-related conditions (PMID: 34536124), which suggests that this may be a clinically significant amino acid residue. For these reasons, this variant has been classified as Pathogenic.

Genetics Research Center, University of Social Welfare and Rehabilitation Sciences
Classification: Pathogenic for Autosomal recessive nonsyndromic hearing loss 9. Review status: criteria provided, single submitter. Criteria: ACMG Guidelines, 2015. Collection method: research. Allele origin: germline. Affected: yes.
Comment: The variant is present in the gnomAD v2.1.1 dataset at a very low allele frequency (0.003%) and has been previously reported in individual(s) affected with OTOF-related hearing loss (PMID:26445815‚ 26632695‚ 30482216‚ 32860223‚ 34416374). Another missense variant in the same codon, p.Arg1856Gln, has also been reported in patient(s) with autosomal recessive deafness (PMID:19250381, 24053799, 34536124). The variant is predicted to be damaging by multiple in-silico tools.

Juno Genomics, Hangzhou Juno Genomics, Inc
Classification: Pathogenic for Autosomal recessive nonsyndromic hearing loss 9. Review status: criteria provided, single submitter. Criteria: ACMG Guidelines, 2015. Collection method: clinical testing. Allele origin: germline. Affected: yes.
Comment: Multiple lines of computational evidence support a deleterious effect on the gene or gene product.;For recessive disorders, detected in trans with a pathogenic variant.;Patient's phenotype or family history is highly specific for a disease with a single genetic etiology.

Diagnosis and Treatment Center of Genetic Hearing Loss, Eye & ENT Hospital of Fudan University
Classification: Pathogenic for Autosomal recessive nonsyndromic hearing loss 9. Last evaluated: 2026-02-04. Review status: no assertion criteria provided. Collection method: clinical testing. Allele origin: germline. Inheritance: Autosomal recessive inheritance. Affected: yes. Not counted in ClinVar's aggregate classification.
Comment: The c.5566C>T missense variant in OTOF has a population frequency of 0.0001 (PM2_Supporting). It has been reported in at least four patients: three in trans with a second pathogenic variant (c.[5566C>T];[1498C>T] and two c.[5566C>T];[5816G>A]) and one in trans with a VUS (c.[5566C>T];[5098G>C]) (PM3_Strong). A likely pathogenic variant at the same codon, c.5567G>A (p.Arg1856Gln), has been reported (PM5_Supporting). The REVEL score is 0.723 (PP3). The phenotype is consistent with auditory neuropathy (PP4). (PMIDs: 32860223, 32555439, 26632695, 30482216)

PreventionGenetics, part of Exact Sciences
Classification: Pathogenic for OTOF-related condition. Last evaluated: 2024-08-19. Review status: no assertion criteria provided. Collection method: clinical testing. Allele origin: germline. Not counted in ClinVar's aggregate classification.
Comment: The OTOF c.5566C>T variant is predicted to result in the amino acid substitution p.Arg1856Trp. This variant has been reported in the homozygous and compound heterozygous states in patients with nonsyndromic hearing loss or auditory neuropathy spectrum disorder (described as p.Arg1089Trp, Table S4, Sloan-Heggen et al. 2015. PubMed ID: 26445815; Table S1, Safka Brozkova et al. 2020. PubMed ID: 32860223; Table S3, Guan et al. 2021. PubMed ID: 34416374; Chang et al. 2015. PubMed ID: 26632695). This variant is reported in 0.010% of alleles in individuals of East Asian descent in gnomAD. This variant is classified as pathogenic.

Department of Pathology and Laboratory Medicine, Sinai Health System
Classification: Uncertain significance for Autosomal recessive nonsyndromic hearing loss 9. Last evaluated: 2021-12-14. Review status: flagged submission. Criteria: ACMG Guidelines, 2015. Collection method: research. Allele origin: germline. Not counted in ClinVar's aggregate classification.
ClinVar note: Reason: Older claim that does not account for recent evidence

Laboratory for Molecular Medicine, Mass General Brigham Personalized Medicine
Classification: Uncertain significance. Last evaluated: 2011-11-14. Review status: flagged submission. Criteria: LMM Criteria. Collection method: clinical testing. Allele origin: germline. Observed: 1 variant allele. Not counted in ClinVar's aggregate classification.
Comment: The Arg1856Trp variant in OTOF has not been reported in the literature nor previ ously identified by our laboratory. Computational analyses (biochemical amino ac id properties, homology, PolyPhen2, SIFT, AlignGVGD) do not provide strong suppo rt for or against pathogenicity. In summary, the clinical significance of this v ariant cannot be determined with certainty at this time.
ClinVar note: Reason: Older claim that does not account for recent evidence

Literature cited by the submitters: PubMed 26445815 (cited by Labcorp Genetics (formerly Invitae), Labcorp and Genetics Research Center, University of Social Welfare and Rehabilitation Sciences); PubMed 26632695 (cited by 3 submitters); PubMed 30482216 (cited by 3 submitters); PubMed 32860223 (cited by 3 submitters); PubMed 34416374 (cited by Labcorp Genetics (formerly Invitae), Labcorp and Genetics Research Center, University of Social Welfare and Rehabilitation Sciences); PubMed 34536124 (cited by Labcorp Genetics (formerly Invitae), Labcorp and Genetics Research Center, University of Social Welfare and Rehabilitation Sciences); PubMed 19250381 (cited by Genetics Research Center, University of Social Welfare and Rehabilitation Sciences); PubMed 24053799 (cited by Genetics Research Center, University of Social Welfare and Rehabilitation Sciences and Diagnosis and Treatment Center of Genetic Hearing Loss, Eye & ENT Hospital of Fudan University); PubMed 32555439 (cited by Diagnosis and Treatment Center of Genetic Hearing Loss, Eye & ENT Hospital of Fudan University); PubMed 31095577 (cited by Diagnosis and Treatment Center of Genetic Hearing Loss, Eye & ENT Hospital of Fudan University).